The following is an entry in ClinVar:

ClinVar aggregate classification (germline): Uncertain significance (1 of 4 stars; one submission).

gnomAD v4.1: 2 of 1,613,874 alleles (0.00012%); highest among the groups gnomAD compares: African/African-American, 0.0013%; no homozygotes.

Submission:

Labcorp Genetics (formerly Invitae), Labcorp
Classification: Uncertain significance. Last evaluated: 2023-10-23. Review status: criteria provided, single submitter. Criteria: Invitae Variant Classification Sherloc (09022015). Collection method: clinical testing. Allele origin: germline.
Comment: This sequence change replaces alanine, which is neutral and non-polar, with serine, which is neutral and polar, at codon 3969 of the HMCN1 protein (p.Ala3969Ser). This variant is present in population databases (rs145955451, gnomAD 0.007%). This variant has not been reported in the literature in individuals affected with HMCN1-related conditions. An algorithm developed to predict the effect of missense changes on protein structure and function (PolyPhen-2) suggests that this variant is likely to be disruptive. In summary, the available evidence is currently insufficient to determine the role of this variant in disease. Therefore, it has been classified as a Variant of Uncertain Significance.

NM_031935.3(HMCN1):c.11905G>T (p.Ala3969Ser)

Gene: HMCN1 (hemicentin 1; plus strand). Cytogenetic location: 1q31.1.
Variant type: single nucleotide variant.
Coding change: c.11905G>T on transcript NM_031935.3 (MANE Select); coding-DNA position 11905, G replaced by T.
Protein change: p.Ala3969Ser; replaces alanine 3969 with serine.
Molecular consequence: missense variant.
Genome position (GRCh38, 1-based): chr1:186,119,247, G>T. VCF-style: chr1-186119247-G-T. GRCh37 (hg19) VCF-style: chr1-186088379-G-T.
Other names: short protein forms A3969S.
Identifiers: ClinVar variation 2991712 (VCV002991712.3), dbSNP rs145955451, ClinGen allele CA1294194.
Genomic context (GRCh38, chr1:186,119,247, plus strand): 5'-TTAGGAGCAATTGAAATACTTGCCACCCAATTAAACCATGCTGGAAGATACACTTGTGTC[G>T]CTAGGAATGCGGCTGGCTCTGCACATCGACACGTGACCCTTCATGTTCATGGTATGGAAG-3'
Protein context (NP_114141.2, residues 3959-3979): LNHAGRYTCV[Ala3969Ser]RNAAGSAHRH